The following is an entry in ClinVar:

ClinVar aggregate classification (germline): Uncertain significance (1 of 4 stars; one submission).

Conditions:
Autoimmune interstitial lung disease-arthritis syndrome. Also called: Autoinflammation and autoimmunity, systemic, with immune dysregulation. Identifiers: Orphanet 444092, MedGen C5975714, MONDO:0014629.

Submission:

Labcorp Genetics (formerly Invitae), Labcorp
Classification: Uncertain significance for Autoimmune interstitial lung disease-arthritis syndrome. Last evaluated: 2023-01-28. Review status: criteria provided, single submitter. Criteria: Invitae Variant Classification Sherloc (09022015). Collection method: clinical testing. Allele origin: germline.
Comment: In summary, the available evidence is currently insufficient to determine the role of this variant in disease. Therefore, it has been classified as a Variant of Uncertain Significance. Advanced modeling of protein sequence and biophysical properties (such as structural, functional, and spatial information, amino acid conservation, physicochemical variation, residue mobility, and thermodynamic stability) performed at Invitae indicates that this missense variant is not expected to disrupt COPA protein function. This variant has not been reported in the literature in individuals affected with COPA-related conditions. This variant is not present in population databases (gnomAD no frequency). This sequence change replaces valine, which is neutral and non-polar, with alanine, which is neutral and non-polar, at codon 477 of the COPA protein (p.Val477Ala).

NM_004371.4(COPA):c.1430T>C (p.Val477Ala)

Gene: COPA (coat protein complex I subunit alpha; minus strand). Cytogenetic location: 1q23.2.
Variant type: single nucleotide variant.
Coding change: c.1430T>C on transcript NM_004371.4 (MANE Select); coding-DNA position 1430, T replaced by C.
Protein change: p.Val477Ala; replaces valine 477 with alanine.
Molecular consequence: missense variant.
Genome position (GRCh38, 1-based): chr1:160,306,366, A>G on the plus strand (T>C on the coding strand, the complement: COPA is on the minus strand). VCF-style: chr1-160306366-A-G. GRCh37 (hg19) VCF-style: chr1-160276156-A-G.
Other names: c.1430T>C, p.Val477Ala (NM_001098398.2); short protein forms V477A.
Identifiers: ClinVar variation 2832603 (VCV002832603.3), dbSNP rs2525389085, ClinGen allele CA343255588.